The following is an entry in ClinVar:

NM_032638.5(GATA2):c.461G>A (p.Ser154Asn)

Gene: GATA2 (GATA binding protein 2; minus strand). Cytogenetic location: 3q21.3.
Variant type: single nucleotide variant.
Coding change: c.461G>A on transcript NM_032638.5 (MANE Select); coding-DNA position 461, G replaced by A.
Protein change: p.Ser154Asn; replaces serine 154 with asparagine.
Molecular consequence: missense variant.
Genome position (GRCh38, 1-based): chr3:128,486,137, C>T on the plus strand (G>A on the coding strand, the complement: GATA2 is on the minus strand). VCF-style: chr3-128486137-C-T. GRCh37 (hg19) VCF-style: chr3-128204980-C-T.
Other names: c.461G>A, p.Ser154Asn (NM_001145661.2, NM_001145662.1); short protein forms S154N.
Identifiers: ClinVar variation 4262124 (VCV004262124.1).

ClinVar aggregate classification (germline): Uncertain significance (1 of 4 stars; one submission).

Conditions:
Inborn genetic diseases. Identifiers: MedGen C0950123, MeSH D030342.

Submission:

Ambry Genetics
Classification: Uncertain significance for Inborn genetic diseases. Last evaluated: 2025-07-17. Review status: criteria provided, single submitter. Criteria: Ambry Variant Classification Scheme 2023. Collection method: clinical testing. Allele origin: germline.
Comment: The p.S154N variant (also known as c.461G>A), located in coding exon 2 of the GATA2 gene, results from a G to A substitution at nucleotide position 461. The serine at codon 154 is replaced by asparagine, an amino acid with highly similar properties. This amino acid position is not well conserved in available vertebrate species. In addition, this alteration is predicted to be tolerated by in silico analysis. Based on the available evidence, the clinical significance of this variant remains unclear.